The following is an entry in ClinVar:

ClinVar aggregate classification (germline): Uncertain significance. Review status: criteria provided, multiple submitters, no conflicts (2 of 4 stars). 2 submissions from 2 submitters: Uncertain significance (2). Last evaluated 2025-12-20.

Conditions:
Hereditary cancer-predisposing syndrome. Also called: Neoplastic Syndromes, Hereditary; Hereditary neoplastic syndrome; Tumor predisposition; Hereditary Cancer Syndrome. Identifiers: Orphanet 140162, MedGen C0027672, MeSH D009386, MONDO:0015356.
DICER1-related tumor predisposition. Also called: DICER1 syndrome; DICER1-related pleuropulmonary blastoma cancer predisposition syndrome. Identifiers: Orphanet 284343, MedGen C3839822, MONDO:0100216.

Allele frequency attached by ClinVar (database versions not stated): gnomAD 0.00001.

Submissions (2):

Labcorp Genetics (formerly Invitae), Labcorp
Classification: Uncertain significance for DICER1-related tumor predisposition. Last evaluated: 2025-12-20. Review status: criteria provided, single submitter. Criteria: Invitae Variant Classification Sherloc (09022015). Collection method: clinical testing. Allele origin: germline.
Comment: This variant, c.753_755dup, results in the insertion of 1 amino acid(s) of the DICER1 protein (p.Cys251_Glu252insAsp), but otherwise preserves the integrity of the reading frame. This variant is present in population databases (no rsID available, gnomAD 0.007%). This variant has not been reported in the literature in individuals affected with DICER1-related conditions. ClinVar contains an entry for this variant (Variation ID: 843709). Experimental studies and prediction algorithms are not available or were not evaluated, and the functional significance of this variant is currently unknown. In summary, the available evidence is currently insufficient to determine the role of this variant in disease. Therefore, it has been classified as a Variant of Uncertain Significance.

Ambry Genetics
Classification: Uncertain significance for Hereditary cancer-predisposing syndrome. Last evaluated: 2022-09-21. Review status: criteria provided, single submitter. Criteria: Ambry Variant Classification Scheme 2023. Collection method: clinical testing. Allele origin: germline.
Comment: The c.753_755dupTGA variant (also known as p.C251_E252insD) is located in coding exon 6 of the DICER1 gene. This variant results from an in-frame duplication of 3 nucleotides at positions 753 to 755. This results in the insertion of an aspartic acid residue between codons 251 and 252. This amino acid region is well conserved in available vertebrate species. In addition, this alteration is predicted to be deleterious by in silico analysis (Choi Y et al. PLoS ONE. 2012; 7(10):e46688). Since supporting evidence is limited at this time, the clinical significance of this alteration remains unclear.

NM_177438.3(DICER1):c.753_755dup (p.Cys251_Glu252insAsp)

Gene: DICER1 (dicer 1, ribonuclease III; minus strand). Cytogenetic location: 14q32.13.
Variant type: Duplication.
Coding change: c.753_755dup on transcript NM_177438.3 (MANE Select); coding-DNA positions 753 to 755, 3 bases duplicated (TGA; older notation c.753_755dupTGA).
Protein change: p.Cys251_Glu252insAsp.
Molecular consequence: inframe insertion. On other transcripts: non-coding transcript variant (6), 5 prime UTR variant (1).
Genome position (GRCh38, 1-based): chr14:95,126,728-95,126,730, TCA duplicated on the plus strand (TGA on the coding strand, the reverse complement: DICER1 is on the minus strand). VCF-style (leftmost placement, unchanged base first): chr14-95126727-C-CTCA. GRCh37 (hg19) VCF-style: chr14-95593064-C-CTCA.
Other names: c.753_755dup, p.Cys251_Glu252insAsp (NM_030621.4, NM_001195573.1, NM_001271282.3 and 14 more transcripts); c.471_473dup, p.Cys157_Glu158insAsp (NM_001395686.1); c.348_350dup, p.Cys116_Glu117insAsp (NM_001395687.1, NM_001395688.1, NM_001395689.1 and 3 more transcripts); c.186_188dup, p.Cys62_Glu63insAsp (NM_001395691.1); c.-816_-814dup (NM_001395697.1); c.753_755dupTGA (NM_177438.2).
Identifiers: ClinVar variation 843709 (VCV000843709.13), dbSNP rs1159678311, ClinGen allele CA615846552.